The following is an entry in ClinVar:

NM_001843.4(CNTN1):c.495A>G (p.Pro165=)

Gene: CNTN1 (contactin 1; plus strand). Cytogenetic location: 12q12.
Variant type: single nucleotide variant.
Coding change: c.495A>G on transcript NM_001843.4 (MANE Select); coding-DNA position 495, A replaced by G.
Protein change: p.Pro165=; no amino-acid change (proline 165 retained).
Molecular consequence: synonymous variant.
Genome position (GRCh38, 1-based): chr12:40,924,651, A>G. VCF-style: chr12-40924651-A-G. GRCh37 (hg19) VCF-style: chr12-41318453-A-G.
Other names: c.495A>G, p.Pro165= (NM_001256063.2, NM_001256064.2); c.462A>G, p.Pro154= (NM_175038.2).
Identifiers: ClinVar variation 652534 (VCV000652534.13), dbSNP rs751830078, ClinGen allele CA6516626.
Genomic context (GRCh38, chr12:40,924,651, plus strand): 5'-GGTCAGAGTAAAAGAAGGGAAAGGAATGGTGCTTCTCTGTGACCCCCCATACCATTTTCC[A>G]GGTAAACTTAATTCCTCTCTGACTATTAGCATCTATGAAACAAAATGGACAAGTTTCCAT-3'
Protein context (NP_001834.2, residues 155-175): VLLCDPPYHF[Pro165=]DDLSYRWLLN

ClinVar aggregate classification (germline): Uncertain significance. Review status: criteria provided, multiple submitters, no conflicts (2 of 4 stars). 2 submissions from 2 submitters: Uncertain significance (2). Last evaluated 2025-02-14.

Conditions:
Compton-North congenital myopathy (CMYO12). Identifiers: Orphanet 210163, MedGen C2675527, MONDO:0012929, OMIM 612540.

Allele frequency attached by ClinVar (database versions not stated): ExAC 0.00001; gnomAD exomes 0.00003; gnomAD 0.00004 and 0.00005.
gnomAD v4.1: 50 of 1,554,278 alleles (0.0032%); highest among the groups gnomAD compares: Middle Eastern, 0.017%; no homozygotes.

Submissions (2):

GeneDx
Classification: Uncertain significance. Last evaluated: 2025-02-14. Review status: criteria provided, single submitter. Criteria: GeneDx Variant Classification Process June 2021. Collection method: clinical testing. Allele origin: germline. Affected: yes.
Comment: Not observed at significant frequency in large population cohorts (gnomAD); Has not been previously published as pathogenic or benign to our knowledge; In silico analysis is inconclusive as to whether the variant alters gene splicing. In the absence of RNA/functional studies, the actual effect of this sequence change is unknown.

Labcorp Genetics (formerly Invitae), Labcorp
Classification: Uncertain significance for Compton-North congenital myopathy. Last evaluated: 2022-08-15. Review status: criteria provided, single submitter. Criteria: Invitae Variant Classification Sherloc (09022015). Collection method: clinical testing. Allele origin: germline.
Comment: This sequence change affects codon 165 of the CNTN1 mRNA. It is a 'silent' change, meaning that it does not change the encoded amino acid sequence of the CNTN1 protein. It affects a nucleotide within the consensus splice site. This variant is present in population databases (rs751830078, gnomAD 0.01%). This variant has not been reported in the literature in individuals affected with CNTN1-related conditions. ClinVar contains an entry for this variant (Variation ID: 652534). Algorithms developed to predict the effect of sequence changes on RNA splicing suggest that this variant may disrupt the consensus splice site. In summary, the available evidence is currently insufficient to determine the role of this variant in disease. Therefore, it has been classified as a Variant of Uncertain Significance.